The following is an entry in ClinVar:

NM_000051.4(ATM):c.5979T>C (p.Ser1993=)

Genes: ATM (ATM serine/threonine kinase; plus strand), C11orf65 (chromosome 11 open reading frame 65; minus strand). Cytogenetic location: 11q22.3.
Variant type: single nucleotide variant.
Coding change: c.5979T>C on transcript NM_000051.4 (MANE Select); coding-DNA position 5979, T replaced by C.
Protein change: p.Ser1993=; no amino-acid change (serine 1993 retained).
Molecular consequence: synonymous variant. On other transcripts: intron variant (2).
Genome position (GRCh38, 1-based): chr11:108,312,471, T>C. VCF-style: chr11-108312471-T-C. GRCh37 (hg19) VCF-style: chr11-108183198-T-C.
Other names: c.5979T>C, p.Ser1993= (NM_001351834.2); c.641-3400A>G (NM_001330368.2); c.*39-3400A>G (NM_001351110.2).
Identifiers: ClinVar variation 758626 (VCV000758626.9), dbSNP rs1591758734, ClinGen allele CA476675555.

ClinVar aggregate classification (germline): Benign/Likely benign. Review status: criteria provided, multiple submitters, no conflicts (2 of 4 stars). 2 submissions from 2 submitters: Benign (1); Likely benign (1). Last evaluated 2025-12-23.

Conditions:
Familial cancer of breast. Also called: Hereditary breast cancer; BREAST CANCER, FAMILIAL; hereditary breast carcinoma. Identifiers: Orphanet 227535, MedGen C0346153, MONDO:0016419, OMIM 114480. Disease mechanism: loss of function.
Ataxia-telangiectasia syndrome (AT). Also called: Ataxia-telangiectasia, complementation group D; AT, COMPLEMENTATION GROUP C; ATAXIA-TELANGIECTASIA, COMPLEMENTATION GROUP A; ATAXIA-TELANGIECTASIA, FRESNO VARIANT; Ataxia-telangiectasia; LOUIS-BAR SYNDROME. Identifiers: Orphanet 100, MedGen C0004135, MONDO:0008840, OMIM 208900.

Submissions (2):

Labcorp Genetics (formerly Invitae), Labcorp
Classification: Likely benign for Ataxia-telangiectasia syndrome. Last evaluated: 2025-12-23. Review status: criteria provided, single submitter. Criteria: Invitae Variant Classification Sherloc (09022015). Collection method: clinical testing. Allele origin: germline.

Myriad Genetics, Inc.
Classification: Benign for Familial cancer of breast. Last evaluated: 2024-05-28. Review status: criteria provided, single submitter. Criteria: Myriad Autosomal Dominant, Autosomal Recessive and X-Linked Classification Criteria (2023). Collection method: clinical testing. Allele origin: unknown.
Comment: This variant is considered benign. This variant is a silent/synonymous amino acid change and it is not expected to impact splicing.